The following is an entry in ClinVar:

ClinVar aggregate classification (germline): Uncertain significance. Review status: criteria provided, multiple submitters, no conflicts (2 of 4 stars). 2 submissions from 2 submitters: Uncertain significance (2). Last evaluated 2025-10-22.

Conditions:
Inborn genetic diseases. Identifiers: MedGen C0950123, MeSH D030342.
Immunodeficiency 35 (IMD35). Also called: TYK2 DEFICIENCY; Susceptibility to infection due to TYK2 deficiency; HIES WITH ATYPICAL MYCOBACTERIOSIS, AUTOSOMAL RECESSIVE; HYPER-IgE SYNDROME WITH ATYPICAL MYCOBACTERIOSIS, AUTOSOMAL RECESSIVE. Identifiers: Orphanet 331226, MedGen C1969086, MONDO:0012682, OMIM 611521.

gnomAD v4.1: 8 of 1,547,380 alleles (0.00052%); highest among the groups gnomAD compares: African/African-American, 0.0027%; no homozygotes.

Submissions (2):

Ambry Genetics
Classification: Uncertain significance for Inborn genetic diseases. Last evaluated: 2025-10-22. Review status: criteria provided, single submitter. Criteria: Ambry Variant Classification Scheme 2023. Collection method: clinical testing. Allele origin: germline.

Labcorp Genetics (formerly Invitae), Labcorp
Classification: Uncertain significance for Immunodeficiency 35. Last evaluated: 2021-03-07. Review status: criteria provided, single submitter. Criteria: Invitae Variant Classification Sherloc (09022015). Collection method: clinical testing. Allele origin: germline.
Comment: This sequence change replaces valine with methionine at codon 673 of the TYK2 protein (p.Val673Met). The valine residue is moderately conserved and there is a small physicochemical difference between valine and methionine. This variant is not present in population databases (ExAC no frequency). This variant has not been reported in the literature in individuals with TYK2-related conditions. Algorithms developed to predict the effect of missense changes on protein structure and function output the following: SIFT: "Not Available"; PolyPhen-2: "Possibly Damaging"; Align-GVGD: "Not Available". The methionine amino acid residue is found in multiple mammalian species, suggesting that this missense change does not adversely affect protein function. These predictions have not been confirmed by published functional studies and their clinical significance is uncertain. In summary, the available evidence is currently insufficient to determine the role of this variant in disease. Therefore, it has been classified as a Variant of Uncertain Significance.

NM_003331.5(TYK2):c.2017G>A (p.Val673Met)

Gene: TYK2 (tyrosine kinase 2; minus strand). Cytogenetic location: 19p13.2.
Variant type: single nucleotide variant.
Coding change: c.2017G>A on transcript NM_003331.5 (MANE Select); coding-DNA position 2017, G replaced by A.
Protein change: p.Val673Met; replaces valine 673 with methionine.
Molecular consequence: missense variant.
Genome position (GRCh38, 1-based): chr19:10,361,541, C>T on the plus strand (G>A on the coding strand, the complement: TYK2 is on the minus strand). VCF-style: chr19-10361541-C-T. GRCh37 (hg19) VCF-style: chr19-10472217-C-T.
Other names: c.2017G>A, p.Val673Met (NM_001385197.1, NM_001385198.1, NM_001385200.1 and 2 more transcripts); c.1831G>A, p.Val611Met (NM_001385199.1); c.1819G>A, p.Val607Met (NM_001385201.1); c.1933G>A, p.Val645Met (NM_001385202.1); c.1927G>A, p.Val643Met (NM_001385205.1); c.1891G>A, p.Val631Met (NM_001385206.1); c.1999G>A, p.Val667Met (NM_001385207.1); c.2017G>A (NM_003331.4); short protein forms V667M, V611M, V607M, V631M, V645M, V643M, V673M.
Identifiers: ClinVar variation 1485443 (VCV001485443.7), dbSNP rs528691386, ClinGen allele CA404001782.